The following is an entry in ClinVar:

NM_014014.5(SNRNP200):c.4377C>T (p.Ile1459=)

Gene: SNRNP200 (small nuclear ribonucleoprotein U5 subunit 200; minus strand). Cytogenetic location: 2q11.2.
Variant type: single nucleotide variant.
Coding change: c.4377C>T on transcript NM_014014.5 (MANE Select); coding-DNA position 4377, C replaced by T.
Protein change: p.Ile1459=; no amino-acid change (isoleucine 1459 retained).
Molecular consequence: synonymous variant.
Genome position (GRCh38, 1-based): chr2:96,284,373, G>A on the plus strand (C>T on the coding strand, the complement: SNRNP200 is on the minus strand). VCF-style: chr2-96284373-G-A. GRCh37 (hg19) VCF-style: chr2-96950111-G-A.
Other names: c.4377C>T (NM_014014.4).
Identifiers: ClinVar variation 1170063 (VCV001170063.13), dbSNP rs191438128, ClinGen allele CA1778232.

ClinVar aggregate classification (germline): Benign/Likely benign. Review status: criteria provided, multiple submitters, no conflicts (2 of 4 stars). 4 submissions from 4 submitters: Benign (1); Likely benign (2). 1 of the submissions does not count toward it. Last evaluated 2025-07-14.

Conditions:
Retinitis pigmentosa 33 (RP33). Identifiers: Orphanet 791, MedGen C1835895, MONDO:0012477, OMIM 610359.
SNRNP200-related disorder. Also called: SNRNP200-related condition.

Allele frequency attached by ClinVar (database versions not stated): gnomAD 0.00004 and 0.00005; TOPMed 0.00007; ExAC 0.00011; gnomAD exomes 0.00012; 1000 Genomes Project 0.00040; 1000 Genomes Project 30x 0.00047.
gnomAD v4.1: 66 of 1,613,892 alleles (0.0041%); highest among the groups gnomAD compares: East Asian, 0.047%; no homozygotes.

Submissions (4):

Labcorp Genetics (formerly Invitae), Labcorp
Classification: Benign. Last evaluated: 2025-07-14. Review status: criteria provided, single submitter. Criteria: Invitae Variant Classification Sherloc (09022015). Collection method: clinical testing. Allele origin: germline.

Blueprint Genetics
Classification: Likely benign. Last evaluated: 2023-12-04. Review status: criteria provided, single submitter. Criteria: ACMG Guidelines, 2015. Collection method: clinical testing. Allele origin: germline.

Fulgent Genetics
Classification: Likely benign for Retinitis pigmentosa 33. Last evaluated: 2021-11-03. Review status: criteria provided, single submitter. Criteria: ACMG Guidelines, 2015. Collection method: clinical testing. Allele origin: unknown.

PreventionGenetics, part of Exact Sciences
Classification: Likely benign for SNRNP200-related condition. Last evaluated: 2019-08-06. Review status: no assertion criteria provided. Collection method: clinical testing. Allele origin: germline. Not counted in ClinVar's aggregate classification.
Comment: This variant is classified as likely benign based on ACMG/AMP sequence variant interpretation guidelines (Richards et al. 2015 PMID: 25741868, with internal and published modifications).